The following is an entry in ClinVar:

ClinVar aggregate classification (germline): Uncertain significance. Review status: criteria provided, multiple submitters, no conflicts (2 of 4 stars). 5 submissions from 3 submitters: Uncertain significance (5). Last evaluated 2021-12-15.

Conditions:
Maturity-onset diabetes of the young type 13. Also called: MODY, TYPE 13. Identifiers: Orphanet 552, MedGen C4225365, MONDO:0014589, OMIM 616329.
Diabetes mellitus, transient neonatal, 3 (TNDM3). Identifiers: Orphanet 99886, MedGen C1864623, MONDO:0012522, OMIM 610582. Disease mechanism: loss of function.
Maturity-onset diabetes of the young (MODY). Also called: Maturity onset diabetes mellitus in young. Identifiers: Orphanet 552, MedGen C0342276, MONDO:0018911, HP:0004904.
Hyperinsulinemic hypoglycemia, familial, 2. Also called: HYPERINSULINEMIC HYPOGLYCEMIA, PERSISTENT; HYPERINSULINISM, NEONATAL. Identifiers: Orphanet 276580, Orphanet 276603, MedGen C2931833, MONDO:0011153, OMIM 601820. Disease mechanism: loss of function.

Allele frequency attached by ClinVar (database versions not stated): gnomAD 0.00002; TOPMed 0.00002; gnomAD exomes 0.00007 and 0.00012; ExAC 0.00019.

Submissions (5):

Labcorp Genetics (formerly Invitae), Labcorp
Classification: Uncertain significance. Last evaluated: 2021-12-15. Review status: criteria provided, single submitter. Criteria: Invitae Variant Classification Sherloc (09022015). Collection method: clinical testing. Allele origin: germline.
Comment: This sequence change replaces arginine, which is basic and polar, with tryptophan, which is neutral and slightly polar, at codon 31 of the KCNJ11 protein (p.Arg31Trp). This variant is present in population databases (rs757621300, gnomAD 0.02%). This variant has not been reported in the literature in individuals affected with KCNJ11-related conditions. ClinVar contains an entry for this variant (Variation ID: 878730). Algorithms developed to predict the effect of missense changes on protein structure and function are either unavailable or do not agree on the potential impact of this missense change (SIFT: "Deleterious"; PolyPhen-2: "Possibly Damaging"; Align-GVGD: "Class C0"). In summary, the available evidence is currently insufficient to determine the role of this variant in disease. Therefore, it has been classified as a Variant of Uncertain Significance.

Illumina Laboratory Services, Illumina
Classification: Uncertain significance for Hyperinsulinemic hypoglycemia, familial, 2. Last evaluated: 2017-04-27. Review status: criteria provided, single submitter. Criteria: ICSL Variant Classification Criteria 13 December 2019. Collection method: clinical testing. Allele origin: germline.

Illumina Laboratory Services, Illumina
Classification: Uncertain significance for Diabetes mellitus, transient neonatal, 3. Last evaluated: 2017-04-27. Review status: criteria provided, single submitter. Criteria: ICSL Variant Classification Criteria 13 December 2019. Collection method: clinical testing. Allele origin: germline.

Illumina Laboratory Services, Illumina
Classification: Uncertain significance for Maturity-onset diabetes of the young type 13. Last evaluated: 2017-04-27. Review status: criteria provided, single submitter. Criteria: ICSL Variant Classification Criteria 13 December 2019. Collection method: clinical testing. Allele origin: germline.

Clinical Genomics, Uppaluri K&H Personalized Medicine Clinic
Classification: Uncertain significance for Maturity-onset diabetes of the young. Review status: criteria provided, single submitter. Criteria: K & H Uppaluri Personalized Medicine Clinic Variant Classification & Assertion Criteria_Updated V.1. Collection method: research. Allele origin: somatic. Inheritance: Autosomal dominant inheritance.
Comment: Mutations in KCNJ11 gene can cause decreased production and secretion of insulin. This can lead to MODY which may be responsive to oral sulfonylureas. It is also associated with Neonatal Diabetes. However, no sufficient evidence is found to ascertain the role of this particular variant (rs757621300) in MODY yet.

Literature cited by the submitters: PubMed 18767144 (cited by Clinical Genomics, Uppaluri K&H Personalized Medicine Clinic); PubMed 26448950 (cited by Clinical Genomics, Uppaluri K&H Personalized Medicine Clinic); PubMed 15580558 (cited by Clinical Genomics, Uppaluri K&H Personalized Medicine Clinic); PubMed 15718250 (cited by Clinical Genomics, Uppaluri K&H Personalized Medicine Clinic); PubMed 32935446 (cited by Clinical Genomics, Uppaluri K&H Personalized Medicine Clinic); PubMed 22701567 (cited by Clinical Genomics, Uppaluri K&H Personalized Medicine Clinic).

NM_000525.4(KCNJ11):c.91C>T (p.Arg31Trp)

Gene: KCNJ11 (potassium inwardly rectifying channel subfamily J member 11; minus strand). Cytogenetic location: 11p15.1.
Variant type: single nucleotide variant.
Coding change: c.91C>T on transcript NM_000525.4 (MANE Select); coding-DNA position 91, C replaced by T.
Protein change: p.Arg31Trp; replaces arginine 31 with tryptophan.
Molecular consequence: missense variant. On other transcripts: intron variant (3).
Genome position (GRCh38, 1-based): chr11:17,388,001, G>A on the plus strand (C>T on the coding strand, the complement: KCNJ11 is on the minus strand). VCF-style: chr11-17388001-G-A. GRCh37 (hg19) VCF-style: chr11-17409548-G-A.
Other names: c.-16-155C>T (NM_001166290.2, NM_001377297.1); c.-17+17C>T (NM_001377296.1); short protein forms R31W.
Identifiers: ClinVar variation 878730 (VCV000878730.8), dbSNP rs757621300, ClinGen allele CA5902335.